The following is an entry in ClinVar:

NM_002474.3(MYH11):c.1989G>C (p.Lys663Asn)

Gene: MYH11 (myosin heavy chain 11; minus strand). Cytogenetic location: 16p13.11.
Variant type: single nucleotide variant.
Coding change: c.1989G>C on transcript NM_002474.3 (MANE Select); coding-DNA position 1989, G replaced by C.
Protein change: p.Lys663Asn; replaces lysine 663 with asparagine.
Molecular consequence: missense variant.
Genome position (GRCh38, 1-based): chr16:15,750,207, C>G on the plus strand (G>C on the coding strand, the complement: MYH11 is on the minus strand). VCF-style: chr16-15750207-C-G. GRCh37 (hg19) VCF-style: chr16-15844064-C-G.
Other names: c.2010G>C, p.Lys670Asn (NM_001040113.2, NM_001040114.2); c.1989G>C, p.Lys663Asn (NM_022844.3); short protein forms K663N, K670N.
Identifiers: ClinVar variation 3072927 (VCV003072927.1), dbSNP rs138581000, ClinGen allele CA394868965.

ClinVar aggregate classification (germline): Uncertain significance (1 of 4 stars; one submission).

Conditions:
Familial thoracic aortic aneurysm and aortic dissection (TAAD). Also called: Thoracic aortic aneurysms and dissections. Identifiers: Orphanet 91387, MedGen C4707243, MONDO:0019625.

Submission:

All of Us Research Program, National Institutes of Health
Classification: Uncertain significance for Familial thoracic aortic aneurysm and aortic dissection. Last evaluated: 2023-08-15. Review status: criteria provided, single submitter. Criteria: ACMG Guidelines, 2015. Collection method: clinical testing. Allele origin: germline. Inheritance: Autosomal dominant inheritance. Observed: 1 variant allele, 1 heterozygote.
Comment: This missense variant replaces lysine with asparagine at codon 670 of the MYH11 protein. Computational prediction suggests that this variant may not impact protein structure and function (internally defined REVEL score threshold <= 0.5, PMID: 27666373). To our knowledge, functional studies have not been reported for this variant. This variant has not been reported in individuals affected with MYH11-related disorders in the literature. This variant has not been identified in the general population by the Genome Aggregation Database (gnomAD). The available evidence is insufficient to determine the role of this variant in disease conclusively. Therefore, this variant is classified as a Variant of Uncertain Significance.

This study involves interpretation of variants in research participants for the purpose of population health screening. Participant phenotype was not available at the time of variant classification. Additional details can be found in publication PMID: 35346344, PMCID: PMC8962531